The following is an entry in ClinVar:

ClinVar aggregate classification (germline): Uncertain significance (1 of 4 stars; one submission).

Conditions:
Early-onset Lafora body disease. Also called: Epilepsy, progressive myoclonic, 10. Identifiers: Orphanet 324290, MedGen C4225258, MONDO:0014717, OMIM 616640.

Allele frequency attached by ClinVar (database versions not stated): gnomAD 0.00024 and 0.00026; 1000 Genomes Project 0.00120; 1000 Genomes Project 30x 0.00172; gnomAD exomes 0.00008; ExAC 0.00013; TOPMed 0.00021.
gnomAD v4.1: 78 of 1,550,224 alleles (0.005%); highest among the groups gnomAD compares: African/African-American, 0.081%; no homozygotes.

Submission:

Labcorp Genetics (formerly Invitae), Labcorp
Classification: Uncertain significance for Early-onset Lafora body disease. Last evaluated: 2023-08-04. Review status: criteria provided, single submitter. Criteria: Invitae Variant Classification Sherloc (09022015). Collection method: clinical testing. Allele origin: germline.
Comment: This sequence change replaces leucine, which is neutral and non-polar, with glutamine, which is neutral and polar, at codon 576 of the PRDM8 protein (p.Leu576Gln). This variant is present in population databases (rs562277889, gnomAD 0.07%). This variant has not been reported in the literature in individuals affected with PRDM8-related conditions. ClinVar contains an entry for this variant (Variation ID: 862580). Advanced modeling of protein sequence and biophysical properties (such as structural, functional, and spatial information, amino acid conservation, physicochemical variation, residue mobility, and thermodynamic stability) performed at Invitae indicates that this missense variant is not expected to disrupt PRDM8 protein function. In summary, the available evidence is currently insufficient to determine the role of this variant in disease. Therefore, it has been classified as a Variant of Uncertain Significance.

NM_001099403.2(PRDM8):c.1727T>A (p.Leu576Gln)

Gene: PRDM8 (PR/SET domain 8; plus strand). Cytogenetic location: 4q21.21.
Variant type: single nucleotide variant.
Coding change: c.1727T>A on transcript NM_001099403.2 (MANE Select); coding-DNA position 1727, T replaced by A.
Protein change: p.Leu576Gln; replaces leucine 576 with glutamine.
Molecular consequence: missense variant.
Genome position (GRCh38, 1-based): chr4:80,203,189, T>A. VCF-style: chr4-80203189-T-A. GRCh37 (hg19) VCF-style: chr4-81124343-T-A.
Other names: c.1727T>A, p.Leu576Gln (NM_020226.4); short protein forms L576Q.
Identifiers: ClinVar variation 862580 (VCV000862580.8), dbSNP rs562277889, ClinGen allele CA2982443.